The following is an entry in ClinVar:

ClinVar aggregate classification (germline): Likely pathogenic (1 of 4 stars; one submission).

Conditions:
Ataxia-telangiectasia syndrome (AT). Also called: ATAXIA-TELANGIECTASIA, COMPLEMENTATION GROUP A; ATAXIA-TELANGIECTASIA, FRESNO VARIANT; LOUIS-BAR SYNDROME; Ataxia-telangiectasia, complementation group D; Ataxia-telangiectasia, complementation group E; Cerebello-oculocutaneous telangiectasia. Identifiers: Orphanet 100, MedGen C0004135, MONDO:0008840, OMIM 208900.

Submission:

Labcorp Genetics (formerly Invitae), Labcorp
Classification: Likely pathogenic for Ataxia-telangiectasia syndrome. Last evaluated: 2024-04-15. Review status: criteria provided, single submitter. Criteria: Invitae Variant Classification Sherloc (09022015). Collection method: clinical testing. Allele origin: germline.
Comment: This sequence change affects an acceptor splice site in intron 28 of the ATM gene. It is expected to disrupt RNA splicing. Variants that disrupt the donor or acceptor splice site typically lead to a loss of protein function (PMID: 16199547), and loss-of-function variants in ATM are known to be pathogenic (PMID: 23807571, 25614872). This variant is not present in population databases (gnomAD no frequency). This variant has not been reported in the literature in individuals affected with ATM-related conditions. Algorithms developed to predict the effect of sequence changes on RNA splicing suggest that this variant may disrupt the consensus splice site. In summary, the currently available evidence indicates that the variant is pathogenic, but additional data are needed to prove that conclusively. Therefore, this variant has been classified as Likely Pathogenic.

Literature cited by the submitters: PubMed 16199547; PubMed 23807571; PubMed 25614872.

NM_000051.4(ATM):c.4237-1G>A

Gene: ATM (ATM serine/threonine kinase; plus strand). Cytogenetic location: 11q22.3.
Variant type: single nucleotide variant.
Coding change: c.4237-1G>A on transcript NM_000051.4 (MANE Select); the canonical splice acceptor site of the intron before coding-DNA position 4237, G replaced by A.
Molecular consequence: splice acceptor variant.
Genome position (GRCh38, 1-based): chr11:108,289,601, G>A. VCF-style: chr11-108289601-G-A. GRCh37 (hg19) VCF-style: chr11-108160328-G-A.
Other names: c.4237-1G>A (NM_001351834.2).
Identifiers: ClinVar variation 3649897 (VCV003649897.2).